The following is an entry in ClinVar:

NM_022464.5(SIL1):c.245-124G>T

Gene: SIL1 (SIL1 nucleotide exchange factor; minus strand). Cytogenetic location: 5q31.2.
Variant type: single nucleotide variant.
Coding change: c.245-124G>T on transcript NM_022464.5 (MANE Select); 124 bases into the intron before coding-DNA position 245, G replaced by T.
Molecular consequence: intron variant.
Genome position (GRCh38, 1-based): chr5:139,051,170, C>A on the plus strand (G>T on the coding strand, the complement: SIL1 is on the minus strand). VCF-style: chr5-139051170-C-A. GRCh37 (hg19) VCF-style: chr5-138386859-C-A.
Other names: c.245-124G>T (NM_001037633.2).
Identifiers: ClinVar variation 670079 (VCV000670079.1), dbSNP rs3828600, ClinGen allele CA12037585.

ClinVar aggregate classification (germline): Benign (1 of 4 stars; one submission).

Allele frequency attached by ClinVar (database versions not stated): 1000 Genomes Project 30x 0.37680; gnomAD 0.41293 and 0.42021; TOPMed 0.41506.
gnomAD v4.1: 294,688 of 784,414 alleles (38%); highest among the groups gnomAD compares: African/African-American, 56%; 57,825 homozygotes.

Submission:

GeneDx
Classification: Benign. Last evaluated: 2018-06-14. Review status: criteria provided, single submitter. Criteria: GeneDx Variant Classification (06012015). Collection method: clinical testing. Allele origin: germline. Affected: yes.
Comment: This variant is considered likely benign or benign based on one or more of the following criteria: it is a conservative change, it occurs at a poorly conserved position in the protein, it is predicted to be benign by multiple in silico algorithms, and/or has population frequency not consistent with disease.